The following is an entry in ClinVar:

ClinVar aggregate classification (germline): Uncertain significance. Review status: criteria provided, multiple submitters, no conflicts (2 of 4 stars). 3 submissions from 3 submitters: Uncertain significance (3). Last evaluated 2024-07-26.

Conditions:
Autosomal recessive early-onset Parkinson disease 6 (PARK6). Also called: PINK1-Related Parkinson Disease; PARKINSON DISEASE 6, EARLY-ONSET; PARKINSON DISEASE 6, MODIFIER OF; PINK1 Type of Young-Onset Parkinson Disease. Identifiers: Orphanet 2828, MedGen C1853833, MONDO:0011613, OMIM 605909.

Allele frequency attached by ClinVar (database versions not stated): ExAC 0.00002; TOPMed 0.00003; gnomAD 0.00005 and 0.00006; gnomAD exomes 0.00006 and 0.00013; ESP Exome Variant Server 0.00008.
gnomAD v4.1: 199 of 1,614,116 alleles (0.012%); highest among the groups gnomAD compares: Non-Finnish European, 0.015%; no homozygotes.

Submissions (3):

Mayo Clinic Laboratories, Mayo Clinic
Classification: Uncertain significance. Last evaluated: 2024-07-26. Review status: criteria provided, single submitter. Criteria: ACMG Guidelines, 2015. Collection method: clinical testing. Allele origin: germline. Observed: 1 variant allele.
Comment: PP3, PM2

Labcorp Genetics (formerly Invitae), Labcorp
Classification: Uncertain significance for Autosomal recessive early-onset Parkinson disease 6. Last evaluated: 2022-04-01. Review status: criteria provided, single submitter. Criteria: Invitae Variant Classification Sherloc (09022015). Collection method: clinical testing. Allele origin: germline.
Comment: This sequence change replaces leucine, which is neutral and non-polar, with arginine, which is basic and polar, at codon 461 of the PINK1 protein (p.Leu461Arg). This variant is present in population databases (rs144440543, gnomAD 0.01%). This variant has not been reported in the literature in individuals affected with PINK1-related conditions. ClinVar contains an entry for this variant (Variation ID: 994660). Algorithms developed to predict the effect of missense changes on protein structure and function (SIFT, PolyPhen-2, Align-GVGD) all suggest that this variant is likely to be disruptive. In summary, the available evidence is currently insufficient to determine the role of this variant in disease. Therefore, it has been classified as a Variant of Uncertain Significance.

Athena Diagnostics
Classification: Uncertain significance. Last evaluated: 2019-11-27. Review status: criteria provided, single submitter. Criteria: Athena Diagnostics Criteria. Collection method: clinical testing. Allele origin: unknown.

Literature cited by the submitters: PubMed 18330912 (cited by Mayo Clinic Laboratories, Mayo Clinic and Athena Diagnostics); PubMed 20506312 (cited by Mayo Clinic Laboratories, Mayo Clinic).

NM_032409.3(PINK1):c.1382T>G (p.Leu461Arg)

Genes: PINK1 (PTEN induced kinase 1; plus strand), PINK1-AS (PINK1 antisense RNA; minus strand). Cytogenetic location: 1p36.12.
Variant type: single nucleotide variant.
Coding change: c.1382T>G on transcript NM_032409.3 (MANE Select); coding-DNA position 1382, T replaced by G.
Protein change: p.Leu461Arg; replaces leucine 461 with arginine.
Molecular consequence: missense variant. On other transcripts: non-coding transcript variant (1).
Genome position (GRCh38, 1-based): chr1:20,649,125, T>G. VCF-style: chr1-20649125-T-G. GRCh37 (hg19) VCF-style: chr1-20975618-T-G.
Other names: p.Leu461Arg; short protein forms L461R.
Identifiers: ClinVar variation 994660 (VCV000994660.5), dbSNP rs144440543, ClinGen allele CA660811.